The following is an entry in ClinVar:

ClinVar aggregate classification (germline): Uncertain significance (1 of 4 stars; one submission).

Submission:

Labcorp Genetics (formerly Invitae), Labcorp
Classification: Uncertain significance. Last evaluated: 2024-12-02. Review status: criteria provided, single submitter. Criteria: Invitae Variant Classification Sherloc (09022015). Collection method: clinical testing. Allele origin: germline.
Comment: This sequence change replaces lysine, which is basic and polar, with threonine, which is neutral and polar, at codon 68 of the ISCA1 protein (p.Lys68Thr). This variant is not present in population databases (gnomAD no frequency). This variant has not been reported in the literature in individuals affected with ISCA1-related conditions. ClinVar contains an entry for this variant (Variation ID: 1379074). An algorithm developed to predict the effect of missense changes on protein structure and function (PolyPhen-2) suggests that this variant is likely to be tolerated. In summary, the available evidence is currently insufficient to determine the role of this variant in disease. Therefore, it has been classified as a Variant of Uncertain Significance.

NM_030940.4(ISCA1):c.203A>C (p.Lys68Thr)

Gene: ISCA1 (iron-sulfur cluster assembly 1; minus strand). Cytogenetic location: 9q21.33.
Variant type: single nucleotide variant.
Coding change: c.203A>C on transcript NM_030940.4 (MANE Select); coding-DNA position 203, A replaced by C.
Protein change: p.Lys68Thr; replaces lysine 68 with threonine.
Molecular consequence: missense variant.
Genome position (GRCh38, 1-based): chr9:86,272,045, T>G on the plus strand (A>C on the coding strand, the complement: ISCA1 is on the minus strand). VCF-style: chr9-86272045-T-G. GRCh37 (hg19) VCF-style: chr9-88886960-T-G.
Other names: short protein forms K68T.
Identifiers: ClinVar variation 1379074 (VCV001379074.6), dbSNP rs2131222970, ClinGen allele CA373946819.